The following is an entry in ClinVar:

ClinVar aggregate classification (germline): Likely pathogenic (1 of 4 stars; one submission).

Conditions:
Autosomal recessive limb-girdle muscular dystrophy type 2J (LGMDR10). Also called: Limb-girdle muscular dystrophy, type 2J; MUSCULAR DYSTROPHY, LIMB-GIRDLE, AUTOSOMAL RECESSIVE 10. Identifiers: Orphanet 140922, MedGen C1837342, MONDO:0012127, OMIM 608807.
Dilated cardiomyopathy 1G (CMD1G). Identifiers: Orphanet 154, MedGen C1858763, MONDO:0011400, OMIM 604145.

gnomAD v4.1: 1 of 1,613,346 alleles (0.000062%); highest among the groups gnomAD compares: Non-Finnish European, 0.000085%; no homozygotes.

Submission:

Labcorp Genetics (formerly Invitae), Labcorp
Classification: Likely pathogenic for Dilated cardiomyopathy 1G; Autosomal recessive limb-girdle muscular dystrophy type 2J. Last evaluated: 2025-12-24. Review status: criteria provided, single submitter. Criteria: Invitae Variant Classification Sherloc (09022015). Collection method: clinical testing. Allele origin: germline.
Comment: This sequence change creates a premature translational stop signal (p.Ser22601*) in the TTN gene. While this is not anticipated to result in nonsense mediated decay, it is expected to create a truncated TTN protein. This variant is present in population databases (no rsID available, gnomAD 0.01%). This variant has not been reported in the literature in individuals affected with TTN-related conditions. This variant is located in the A band of TTN (PMID: 25589632). Truncating variants in this region are significantly overrepresented in patients affected with dilated cardiomyopathy (PMID: 25589632). Truncating variants in this region have also been reported in individuals affected with autosomal recessive centronuclear myopathy (PMID: 23975875). In summary, the currently available evidence indicates that the variant is pathogenic, but additional data are needed to prove that conclusively. Therefore, this variant has been classified as Likely Pathogenic.

Literature cited by the submitters: PubMed 25589632; PubMed 23975875.

NM_001267550.2(TTN):c.67802C>A (p.Ser22601Ter)

Genes: TTN (titin; minus strand), TTN-AS1 (TTN antisense RNA 1; plus strand), LOC126806423 (CDK7 strongly-dependent group 2 enhancer GRCh37_chr2:179443309-179444508; plus strand). Cytogenetic location: 2q31.2.
Variant type: single nucleotide variant.
Coding change: c.67802C>A on transcript NM_001267550.2 (MANE Select); coding-DNA position 67802, C replaced by A.
Protein change: p.Ser22601Ter; replaces serine 22601 with a stop codon.
Molecular consequence: nonsense.
Genome position (GRCh38, 1-based): chr2:178,579,228, G>T on the plus strand (C>A on the coding strand, the complement: TTN is on the minus strand). VCF-style: chr2-178579228-G-T. GRCh37 (hg19) VCF-style: chr2-179443955-G-T.
Other names: c.62879C>A, p.Ser20960Ter (NM_001256850.1); c.40607C>A, p.Ser13536Ter (NM_003319.4); c.60098C>A, p.Ser20033Ter (NM_133378.4); c.40982C>A, p.Ser13661Ter (NM_133432.3); c.41183C>A, p.Ser13728Ter (NM_133437.4); short protein forms S20033*, S20960*, S13536*, S13661*, S13728*, S22601*.
Identifiers: ClinVar variation 4787122 (VCV004787122.1).